The following is an entry in ClinVar:

NM_017780.4(CHD7):c.3067G>T (p.Ala1023Ser)

Gene: CHD7 (chromodomain helicase DNA binding protein 7; plus strand). Cytogenetic location: 8q12.2.
Variant type: single nucleotide variant.
Coding change: c.3067G>T on transcript NM_017780.4 (MANE Select); coding-DNA position 3067, G replaced by T.
Protein change: p.Ala1023Ser; replaces alanine 1023 with serine.
Molecular consequence: missense variant. On other transcripts: intron variant (1).
Genome position (GRCh38, 1-based): chr8:60,822,612, G>T. VCF-style: chr8-60822612-G-T. GRCh37 (hg19) VCF-style: chr8-61735171-G-T.
Other names: c.1717-39617G>T (NM_001316690.1); short protein forms A1023S.
Identifiers: ClinVar variation 3383467 (VCV003383467.1).

ClinVar aggregate classification (germline): Uncertain significance (1 of 4 stars; one submission).

Submission:

GeneDx
Classification: Uncertain significance. Last evaluated: 2024-05-28. Review status: criteria provided, single submitter. Criteria: GeneDx Variant Classification Process June 2021. Collection method: clinical testing. Allele origin: germline. Affected: yes.
Comment: Not observed at significant frequency in large population cohorts (gnomAD); In silico analysis supports that this missense variant has a deleterious effect on protein structure/function; Has not been previously published as pathogenic or benign to our knowledge